The following is an entry in ClinVar:

NM_032816.5(CEP89):c.1661T>C (p.Leu554Ser)

Gene: CEP89 (centrosomal protein 89; minus strand). Cytogenetic location: 19q13.11.
Variant type: single nucleotide variant.
Coding change: c.1661T>C on transcript NM_032816.5 (MANE Select); coding-DNA position 1661, T replaced by C.
Protein change: p.Leu554Ser; replaces leucine 554 with serine.
Molecular consequence: missense variant.
Genome position (GRCh38, 1-based): chr19:32,901,317, A>G on the plus strand (T>C on the coding strand, the complement: CEP89 is on the minus strand). VCF-style: chr19-32901317-A-G. GRCh37 (hg19) VCF-style: chr19-33392223-A-G.
Other names: c.1661T>C (NM_032816.4); short protein forms L554S.
Identifiers: ClinVar variation 1617636 (VCV001617636.33), dbSNP rs148506114, ClinGen allele CA9359215.

ClinVar aggregate classification (germline): Likely benign. Review status: criteria provided, multiple submitters, no conflicts (2 of 4 stars). 3 submissions from 3 submitters: Likely benign (2). 1 of the submissions does not count toward it. Last evaluated 2026-01-26.

Conditions:
CEP89-related disorder. Also called: CEP89-related condition.

Allele frequency attached by ClinVar (database versions not stated): 1000 Genomes Project 0.00200; 1000 Genomes Project 30x 0.00250; ExAC 0.00255; gnomAD exomes 0.00279 and 0.00458; gnomAD 0.00297 and 0.00312; TOPMed 0.00310; ESP Exome Variant Server 0.00361.
gnomAD v4.1: 7,078 of 1,614,150 alleles (0.44%); highest among the groups gnomAD compares: Non-Finnish European, 0.55%; 17 homozygotes.

Submissions (3):

Labcorp Genetics (formerly Invitae), Labcorp
Classification: Likely benign. Last evaluated: 2026-01-26. Review status: criteria provided, single submitter. Criteria: Invitae Variant Classification Sherloc (09022015). Collection method: clinical testing. Allele origin: germline.

CeGaT Center for Human Genetics Tuebingen
Classification: Likely benign. Last evaluated: 2023-09-01. Review status: criteria provided, single submitter. Criteria: CeGaT Center For Human Genetics Tuebingen Variant Classification Criteria Version 2. Collection method: clinical testing. Allele origin: germline. Affected: yes. Observed: 1 variant allele.
Comment: CEP89: BS2

PreventionGenetics, part of Exact Sciences
Classification: Likely benign for CEP89-related condition. Last evaluated: 2022-04-11. Review status: no assertion criteria provided. Collection method: clinical testing. Allele origin: germline. Not counted in ClinVar's aggregate classification.
Comment: This variant is classified as likely benign based on ACMG/AMP sequence variant interpretation guidelines (Richards et al. 2015 PMID: 25741868, with internal and published modifications).